The following is an entry in ClinVar:

ClinVar aggregate classification (germline): Uncertain significance (1 of 4 stars; one submission).

Conditions:
Dilated cardiomyopathy 1G (CMD1G). Identifiers: Orphanet 154, MedGen C1858763, MONDO:0011400, OMIM 604145.
Autosomal recessive limb-girdle muscular dystrophy type 2J (LGMDR10). Also called: Limb-girdle muscular dystrophy, type 2J; MUSCULAR DYSTROPHY, LIMB-GIRDLE, AUTOSOMAL RECESSIVE 10. Identifiers: Orphanet 140922, MedGen C1837342, MONDO:0012127, OMIM 608807.

Allele frequency attached by ClinVar (database versions not stated): gnomAD exomes below 0.00001.
gnomAD v4.1: 2 of 1,613,950 alleles (0.00012%); highest among the groups gnomAD compares: East Asian, 0.0022%; no homozygotes.

Submission:

Labcorp Genetics (formerly Invitae), Labcorp
Classification: Uncertain significance for Dilated cardiomyopathy 1G; Autosomal recessive limb-girdle muscular dystrophy type 2J. Last evaluated: 2022-03-24. Review status: criteria provided, single submitter. Criteria: Invitae Variant Classification Sherloc (09022015). Collection method: clinical testing. Allele origin: germline.
Comment: In summary, the available evidence is currently insufficient to determine the role of this variant in disease. Therefore, it has been classified as a Variant of Uncertain Significance. This variant is located in the M band of TTN (PMID: 25589632). Variants in this region may be relevant for neuromuscular disorders, but have not been definitively shown to cause cardiomyopathy (PMID: 23975875). Experimental studies and prediction algorithms are not available or were not evaluated, and the functional significance of this variant is currently unknown. This variant has not been reported in the literature in individuals affected with TTN-related conditions. This variant is not present in population databases (gnomAD no frequency). This sequence change replaces valine, which is neutral and non-polar, with alanine, which is neutral and non-polar, at codon 35404 of the TTN protein (p.Val35404Ala).

Literature cited by the submitters: PubMed 25589632; PubMed 23975875.

NM_001267550.2(TTN):c.106211T>C (p.Val35404Ala)

Genes: TTN (titin; minus strand), TTN-AS1 (TTN antisense RNA 1; plus strand). Cytogenetic location: 2q31.2.
Variant type: single nucleotide variant.
Coding change: c.106211T>C on transcript NM_001267550.2 (MANE Select); coding-DNA position 106211, T replaced by C.
Protein change: p.Val35404Ala; replaces valine 35404 with alanine.
Molecular consequence: missense variant.
Genome position (GRCh38, 1-based): chr2:178,530,404, A>G on the plus strand (T>C on the coding strand, the complement: TTN is on the minus strand). VCF-style: chr2-178530404-A-G. GRCh37 (hg19) VCF-style: chr2-179395131-A-G.
Other names: c.101288T>C, p.Val33763Ala (NM_001256850.1); c.79016T>C, p.Val26339Ala (NM_003319.4); c.98507T>C, p.Val32836Ala (NM_133378.4); c.79391T>C, p.Val26464Ala (NM_133432.3); c.79592T>C, p.Val26531Ala (NM_133437.4); short protein forms V35404A, V26531A, V26339A, V26464A, V32836A, V33763A.
Identifiers: ClinVar variation 1486359 (VCV001486359.6), dbSNP rs1688584053, ClinGen allele CA349406600.